The following is an entry in ClinVar:

NM_001105206.3(LAMA4):c.1077+5G>T

Gene: LAMA4 (laminin subunit alpha 4; minus strand). Cytogenetic location: 6q21.
Variant type: single nucleotide variant.
Coding change: c.1077+5G>T on transcript NM_001105206.3 (MANE Select); 5 bases into the intron after coding-DNA position 1077, G replaced by T.
Molecular consequence: intron variant.
Genome position (GRCh38, 1-based): chr6:112,185,232, C>A on the plus strand (G>T on the coding strand, the complement: LAMA4 is on the minus strand). VCF-style: chr6-112185232-C-A. GRCh37 (hg19) VCF-style: chr6-112506434-C-A.
Other names: c.1056+5G>T (NM_002290.5, NM_001105207.3).
Identifiers: ClinVar variation 4096207 (VCV004096207.1).

ClinVar aggregate classification (germline): Uncertain significance (1 of 4 stars; one submission).

Conditions:
Cardiovascular phenotype. Identifiers: MedGen CN230736.

Submission:

Ambry Genetics
Classification: Uncertain significance for Cardiovascular phenotype. Last evaluated: 2025-07-18. Review status: criteria provided, single submitter. Criteria: Ambry Variant Classification Scheme 2023. Collection method: clinical testing. Allele origin: germline.
Comment: The c.1056+5G>T intronic variant results from a G to T substitution 5 nucleotides after coding exon 8 in the LAMA4 gene. This nucleotide position is well conserved in available vertebrate species. In silico splice site analysis predicts that this alteration may weaken the native splice donor site. The evidence for this gene-disease relationship is limited; therefore, the clinical significance of this alteration is unclear.